The following is an entry in ClinVar:

NM_001166108.2(PALLD):c.1978A>C (p.Lys660Gln)

Gene: PALLD (palladin, cytoskeletal associated protein; plus strand). Cytogenetic location: 4q32.3.
Variant type: single nucleotide variant.
Coding change: c.1978A>C on transcript NM_001166108.2 (MANE Select); coding-DNA position 1978, A replaced by C.
Protein change: p.Lys660Gln; replaces lysine 660 with glutamine.
Molecular consequence: missense variant. On other transcripts: 5 prime UTR variant (4).
Genome position (GRCh38, 1-based): chr4:168,890,935, A>C. VCF-style: chr4-168890935-A-C. GRCh37 (hg19) VCF-style: chr4-169812086-A-C.
Other names: c.832A>C, p.Lys278Gln (NM_001166109.2); c.517A>C, p.Lys173Gln (NM_001166110.2); c.-144A>C (NM_001367567.1, NM_001367568.1, NM_001367569.1 and 1 more transcripts); c.1978A>C, p.Lys660Gln (NM_016081.4); short protein forms K173Q, K660Q, K278Q.
Identifiers: ClinVar variation 3304065 (VCV003304065.1).

ClinVar aggregate classification (germline): Uncertain significance (1 of 4 stars; one submission).

Submission:

Ambry Genetics
Classification: Uncertain significance. Last evaluated: 2024-04-19. Review status: criteria provided, single submitter. Criteria: Ambry Variant Classification Scheme 2023. Collection method: clinical testing. Allele origin: germline.
Comment: The p.K660Q variant (also known as c.1978A>C), located in coding exon 10 of the PALLD gene, results from an A to C substitution at nucleotide position 1978. The lysine at codon 660 is replaced by glutamine, an amino acid with similar properties. This amino acid position is conserved. In addition, the in silico prediction for this alteration is inconclusive. Based on the available evidence, the clinical significance of this variant remains unclear.